The following is an entry in ClinVar:

ClinVar aggregate classification (germline): Uncertain significance. Review status: criteria provided, multiple submitters, no conflicts (2 of 4 stars). 2 submissions from 2 submitters: Uncertain significance (2). Last evaluated 2025-08-06.

Conditions:
MAGEL2-related disorder. Also called: MAGEL2-related condition.

Submissions (2):

PreventionGenetics, part of Exact Sciences
Classification: Uncertain significance for MAGEL2-related condition. Last evaluated: 2025-08-06. Review status: criteria provided, single submitter. Criteria: ACMG Guidelines, 2015. Collection method: clinical testing. Allele origin: germline.
Comment: The MAGEL2 c.3736C>T variant is predicted to result in the amino acid substitution p.Pro1246Ser. To our knowledge, this variant has not been reported in the literature or in a large population database (gnomAD), indicating this variant is rare. At this time, the clinical significance of this variant is uncertain due to the absence of conclusive functional and genetic evidence.

Labcorp Genetics (formerly Invitae), Labcorp
Classification: Uncertain significance. Last evaluated: 2024-02-07. Review status: criteria provided, single submitter. Criteria: Invitae Variant Classification Sherloc (09022015). Collection method: clinical testing. Allele origin: germline.
Comment: This sequence change replaces proline, which is neutral and non-polar, with serine, which is neutral and polar, at codon 1246 of the MAGEL2 protein (p.Pro1246Ser). This variant is not present in population databases (gnomAD no frequency). This variant has not been reported in the literature in individuals affected with MAGEL2-related conditions. Advanced modeling of protein sequence and biophysical properties (such as structural, functional, and spatial information, amino acid conservation, physicochemical variation, residue mobility, and thermodynamic stability) performed at Invitae indicates that this missense variant is not expected to disrupt MAGEL2 protein function with a negative predictive value of 80%. In summary, the available evidence is currently insufficient to determine the role of this variant in disease. Therefore, it has been classified as a Variant of Uncertain Significance.

NM_019066.5(MAGEL2):c.3736C>T (p.Pro1246Ser)

Gene: MAGEL2 (MAGE family member L2; minus strand). Cytogenetic location: 15q11.2.
Variant type: single nucleotide variant.
Coding change: c.3736C>T on transcript NM_019066.5 (MANE Select); coding-DNA position 3736, C replaced by T.
Protein change: p.Pro1246Ser; replaces proline 1246 with serine.
Molecular consequence: missense variant.
Genome position (GRCh38, 1-based): chr15:23,644,007, G>A on the plus strand (C>T on the coding strand, the complement: MAGEL2 is on the minus strand). VCF-style: chr15-23644007-G-A. GRCh37 (hg19) VCF-style: chr15-23889154-G-A.
Other names: c.3736C>T (NM_019066.4); short protein forms P1246S.
Identifiers: ClinVar variation 3696718 (VCV003696718.3).